The following is an entry in ClinVar:

NM_000038.6(APC):c.135+4611T>G

Gene: APC (APC regulator of WNT signaling pathway; plus strand). Cytogenetic location: 5q22.2.
Variant type: single nucleotide variant.
Coding change: c.135+4611T>G on transcript NM_000038.6 (MANE Select); 4611 bases into the intron after coding-DNA position 135, T replaced by G.
Molecular consequence: intron variant.
Genome position (GRCh38, 1-based): chr5:112,759,636, T>G. VCF-style: chr5-112759636-T-G. GRCh37 (hg19) VCF-style: chr5-112095333-T-G.
Other names: c.135+4611T>G (NM_001354895.2, NM_001127510.3, NM_001354896.2 and 2 more transcripts); c.166-6690T>G (NM_001354897.2, NM_001354902.2, NM_001127511.3); c.61-6690T>G (NM_001354898.2, NM_001354904.2); c.-901+4611T>G (NM_001354906.2); c.-42-6690T>G (NM_001354900.2, NM_001354901.2, NM_001354905.2).
Identifiers: ClinVar variation 82833 (VCV000082833.2), dbSNP rs77819922, ClinGen allele CA004394.

ClinVar aggregate classification (germline): other (0 of 4 stars; one submission).

Conditions:
Familial colorectal cancer. Identifiers: MedGen CN280943, MONDO:0023113. Disease mechanism: loss of function.

Submission:

Systems Biology Platform Zhejiang California International NanoSystems Institute
Classification: other for Familial colorectal cancer. Review status: no assertion criteria provided. Collection method: not provided. Allele origin: unknown.
ClinVar note: Converted during submission from cancer to other.